The following is an entry in ClinVar:

ClinVar aggregate classification (germline): Uncertain significance (1 of 4 stars; one submission).

Conditions:
Multiple endocrine neoplasia, type 2 (MEN2). Identifiers: Orphanet 653, MedGen C4048306, MONDO:0019003. Disease mechanism: gain of function.

Submission:

Labcorp Genetics (formerly Invitae), Labcorp
Classification: Uncertain significance for Multiple endocrine neoplasia, type 2. Last evaluated: 2023-12-11. Review status: criteria provided, single submitter. Criteria: Invitae Variant Classification Sherloc (09022015). Collection method: clinical testing. Allele origin: germline.
Comment: This sequence change replaces tyrosine, which is neutral and polar, with asparagine, which is neutral and polar, at codon 204 of the RET protein (p.Tyr204Asn). This variant is not present in population databases (gnomAD no frequency). This variant has not been reported in the literature in individuals affected with RET-related conditions. An algorithm developed to predict the effect of missense changes on protein structure and function (PolyPhen-2) suggests that this variant is likely to be disruptive. In summary, the available evidence is currently insufficient to determine the role of this variant in disease. Therefore, it has been classified as a Variant of Uncertain Significance.

NM_020975.6(RET):c.610T>A (p.Tyr204Asn)

Gene: RET (ret proto-oncogene; plus strand). Cytogenetic location: 10q11.21.
Variant type: single nucleotide variant.
Coding change: c.610T>A on transcript NM_020975.6 (MANE Select); coding-DNA position 610, T replaced by A.
Protein change: p.Tyr204Asn; replaces tyrosine 204 with asparagine.
Molecular consequence: missense variant. On other transcripts: intron variant (15).
Genome position (GRCh38, 1-based): chr10:43,102,614, T>A. VCF-style: chr10-43102614-T-A. GRCh37 (hg19) VCF-style: chr10-43598062-T-A.
Other names: c.610T>A, p.Tyr204Asn (NM_001406781.1, NM_001406782.1, NM_001406785.1 and 16 more transcripts); c.481T>A, p.Tyr161Asn (NM_001406783.1, NM_001406786.1, NM_001406761.1 and 4 more transcripts); c.337+1892T>A (NM_001406770.1, NM_001406766.1, NM_001406767.1 and 8 more transcripts); c.74-6417T>A (NM_001406784.1); c.74-9485T>A (NM_001406794.1, NM_001406792.1, NM_001406793.1); short protein forms Y204N, Y161N.
Identifiers: ClinVar variation 2702163 (VCV002702163.3), dbSNP rs2492165377, ClinGen allele CA376543658.